The following is an entry in ClinVar:

ClinVar aggregate classification (germline): Pathogenic. Review status: criteria provided, multiple submitters, no conflicts (2 of 4 stars). 2 submissions from 2 submitters: Pathogenic (2). Last evaluated 2023-10-11.

Conditions:
Inborn genetic diseases. Identifiers: MedGen C0950123, MeSH D030342.
Blepharophimosis - intellectual disability syndrome, SBBYS type (SBBYSS). Also called: Say-Barber-Biesecker-Young-Simpson variant of Ohdo Syndrome; Say-Barber-Biesecker Variant of Ohdo Syndrome; Young Simpson syndrome; Mental retardation unusual facies hypothyroidism; Ohdo syndrome, SBBYS variant; SBBYSS syndrome. Identifiers: Orphanet 3047, MedGen C1863557, MONDO:0011365, OMIM 603736.

Submissions (2):

Ambry Genetics
Classification: Pathogenic for Inborn genetic diseases. Last evaluated: 2023-10-11. Review status: criteria provided, single submitter. Criteria: Ambry Variant Classification Scheme 2023. Collection method: clinical testing. Allele origin: germline.
Comment: The c.5302C>T (p.Q1768*) alteration, located in exon 18 (coding exon 16) of the KAT6B gene, consists of a C to T substitution at nucleotide position 5302. This changes the amino acid from a glutamine (Q) to a stop codon at amino acid position 1768. This alteration occurs at the 3' terminus of the KAT6B gene, is not expected to trigger nonsense-mediated mRNA decay, and impacts the last 15% of the protein. Premature stop codons are typically deleterious in nature, the impacted region is critical for protein function, and a significant portion of the protein is affected (Ambry internal data). This variant was not reported in population-based cohorts in the Genome Aggregation Database (gnomAD). This alteration was reported de novo in two individuals with features consistent with KAT6B-related syndrome (Gannon, 2015). Based on the available evidence, this alteration is classified as pathogenic.

Victorian Clinical Genetics Services, Murdoch Childrens Research Institute
Classification: Pathogenic for Blepharophimosis - intellectual disability syndrome, SBBYS type. Last evaluated: 2022-03-31. Review status: criteria provided, single submitter. Criteria: ACMG Guidelines, 2015. Collection method: clinical testing. Allele origin: germline. Inheritance: Autosomal dominant inheritance. Affected: yes.
Comment: Based on the classification scheme VCGS_Germline_v1.3.4, this variant is classified as Pathogenic. Following criteria are met: 0103 - Loss of function and gain of function are proposed mechanisms of disease in this gene and are associated with Say-Barber-Biesecker-Young-Simpson syndrome (SBBYSS; MIM#603736) and genitopatellar syndrome (GPS; MIM#606170), respectively (PMID: 22715153). (I) 0107 - This gene is associated with autosomal dominant disease. GPS is associated with variants in the 5' portion of the final exon, while SBBYSS is associated with variants in the remainder of the gene (PMID: 32424177). (I) 0205 - Variant is predicted to result in a truncated protein (premature termination codon is NOT located at least 54 nucleotides upstream of the final exon-exon junction) with less than 1/3 of the protein sequence affected. (SP) 0251 - This variant is heterozygous. (I) 0301 - Variant is absent from gnomAD (both v2 and v3). (SP) 0600 - Variant affects the annotated serine-methionine rich region (PMID: 32424177). (I) 0701 - Other variants comparable to the one identified in this case have very strong previous evidence for pathogenicity. Truncating variants downstream of this one are well-reported in individuals with SBBYSS or an intermediate phenotype between SBBYSS and GPS (PMID: 32424177). (SP) 0801 - This variant has strong previous evidence of pathogenicity in unrelated individuals. This variant has been reported in three individuals, two of them de novo. One of the individuals with a de novo variant had an intermediate phenotype between SBBYSS and GPS, while the remaining two individuals were reported with an SBBYSS phenotype (PMID: 25424711). (SP) Legend: (SP) - Supporting pathogenic, (I) - Information, (SB) - Supporting benign

Literature cited by the submitters: PubMed 25424711 (cited by Ambry Genetics and Victorian Clinical Genetics Services, Murdoch Childrens Research Institute); PubMed 22715153 (cited by Victorian Clinical Genetics Services, Murdoch Childrens Research Institute); PubMed 32424177 (cited by Victorian Clinical Genetics Services, Murdoch Childrens Research Institute).

NM_012330.4(KAT6B):c.5302C>T (p.Gln1768Ter)

Gene: KAT6B (lysine acetyltransferase 6B; plus strand). Cytogenetic location: 10q22.2.
Variant type: single nucleotide variant.
Coding change: c.5302C>T on transcript NM_012330.4 (MANE Select); coding-DNA position 5302, C replaced by T.
Protein change: p.Gln1768Ter; replaces glutamine 1768 with a stop codon.
Molecular consequence: nonsense.
Genome position (GRCh38, 1-based): chr10:75,030,126, C>T. VCF-style: chr10-75030126-C-T. GRCh37 (hg19) VCF-style: chr10-76789884-C-T.
Other names: c.5302C>T, p.Gln1768Ter (NM_001370137.1, NM_001370136.1); c.4753C>T, p.Gln1585Ter (NM_001370138.1, NM_001256468.2); c.4426C>T, p.Gln1476Ter (NM_001370139.1, NM_001370140.1, NM_001370141.1 and 2 more transcripts); c.4237C>T, p.Gln1413Ter (NM_001370143.1, NM_001370144.1); c.4264C>T, p.Gln1422Ter (NM_001370132.1); c.3613C>T, p.Gln1205Ter (NM_001370133.1); c.3217C>T, p.Gln1073Ter (NM_001370134.1); c.2959C>T, p.Gln987Ter (NM_001370135.1); and 1 more; short protein forms Q1073*, Q1205*, Q1413*, Q1422*, Q1476*, Q1585*, Q1768*, Q987*.
Identifiers: ClinVar variation 2500747 (VCV002500747.3), dbSNP rs1554846300, ClinGen allele CA377300789.
Genomic context (GRCh38, chr10:75,030,126, plus strand): 5'-GTCAAGTCTCCTCAAGGCTGTGTGGTGGAGAGGCCTCCGAGCAGCAGCCAGCAGCTGGCT[C>T]AGTGCAGCATGGCTGCTAACTTCACCCCACCCATGCAGCTGGCTGAAATCCCCGAGACGA-3'